The following is an entry in ClinVar:

NM_000379.4(XDH):c.3206C>G (p.Thr1069Ser)

Gene: XDH (xanthine dehydrogenase; minus strand). Cytogenetic location: 2p23.1.
Variant type: single nucleotide variant.
Coding change: c.3206C>G on transcript NM_000379.4 (MANE Select); coding-DNA position 3206, C replaced by G.
Protein change: p.Thr1069Ser; replaces threonine 1069 with serine.
Molecular consequence: missense variant.
Genome position (GRCh38, 1-based): chr2:31,347,592, G>C on the plus strand (C>G on the coding strand, the complement: XDH is on the minus strand). VCF-style: chr2-31347592-G-C. GRCh37 (hg19) VCF-style: chr2-31570458-G-C.
Other names: short protein forms T1069S.
Identifiers: ClinVar variation 1003257 (VCV001003257.7), dbSNP rs1685335731, ClinGen allele CA346497996.

ClinVar aggregate classification (germline): Uncertain significance. Review status: criteria provided, multiple submitters, no conflicts (2 of 4 stars). 2 submissions from 2 submitters: Uncertain significance (2). Last evaluated 2022-07-05.

Conditions:
Xanthinuria type II. Also called: Xanthine dehydrogenase and aldehyde oxidase combined deficiency of; XDH and AOX dual deficiency. Identifiers: Orphanet 3467, Orphanet 93602, MedGen C1863688, MONDO:0011346, OMIM 603592.
Hereditary xanthinuria type 1 (XAN1). Identifiers: Orphanet 3467, Orphanet 93601, MedGen C0268118, MONDO:0010209, OMIM 278300.

Allele frequency attached by ClinVar (database versions not stated): gnomAD exomes below 0.00001.
gnomAD v4.1: 1 of 1,614,188 alleles (0.000062%); highest among the groups gnomAD compares: Admixed American, 0.0017%; no homozygotes.

Submissions (2):

Labcorp Genetics (formerly Invitae), Labcorp
Classification: Uncertain significance for Xanthinuria type II. Last evaluated: 2022-07-05. Review status: criteria provided, single submitter. Criteria: Invitae Variant Classification Sherloc (09022015). Collection method: clinical testing. Allele origin: germline.
Comment: This variant is not present in population databases (gnomAD no frequency). In summary, the available evidence is currently insufficient to determine the role of this variant in disease. Therefore, it has been classified as a Variant of Uncertain Significance. Algorithms developed to predict the effect of missense changes on protein structure and function (SIFT, PolyPhen-2, Align-GVGD) all suggest that this variant is likely to be disruptive. ClinVar contains an entry for this variant (Variation ID: 1003257). This variant has not been reported in the literature in individuals affected with XDH-related conditions. This sequence change replaces threonine, which is neutral and polar, with serine, which is neutral and polar, at codon 1069 of the XDH protein (p.Thr1069Ser).

Fulgent Genetics
Classification: Uncertain significance for Hereditary xanthinuria type 1. Last evaluated: 2022-04-27. Review status: criteria provided, single submitter. Criteria: ACMG Guidelines, 2015. Collection method: clinical testing. Allele origin: unknown.